The following is an entry in ClinVar:

NM_000222.3(KIT):c.265G>A (p.Ala89Thr)

Gene: KIT (KIT proto-oncogene, receptor tyrosine kinase; plus strand). Cytogenetic location: 4q12.
Variant type: single nucleotide variant.
Coding change: c.265G>A on transcript NM_000222.3 (MANE Select); coding-DNA position 265, G replaced by A.
Protein change: p.Ala89Thr; replaces alanine 89 with threonine.
Molecular consequence: missense variant.
Genome position (GRCh38, 1-based): chr4:54,695,709, G>A. VCF-style: chr4-54695709-G-A. GRCh37 (hg19) VCF-style: chr4-55561875-G-A.
Other names: c.265G>A, p.Ala89Thr (NM_001093772.2, NM_001385284.1, NM_001385285.1 and 4 more transcripts); short protein forms A89T.
Identifiers: ClinVar variation 1444389 (VCV001444389.6), dbSNP rs2109662429, ClinGen allele CA356897201.

ClinVar aggregate classification (germline): Uncertain significance (1 of 4 stars; one submission).

Conditions:
Gastrointestinal stromal tumor. Also called: Gastrointestinal stroma tumor; Gastrointestinal stromal tumor, somatic. Identifiers: Orphanet 44890, MedGen C0238198, MeSH D046152, MONDO:0011719, OMIM 606764, HP:0100723.

Allele frequency attached by ClinVar (database versions not stated): gnomAD exomes below 0.00001.
gnomAD v4.1: 1 of 1,614,228 alleles (0.000062%); highest among the groups gnomAD compares: South Asian, 0.0011%; no homozygotes.

Submission:

Labcorp Genetics (formerly Invitae), Labcorp
Classification: Uncertain significance for Gastrointestinal stromal tumor. Last evaluated: 2024-04-05. Review status: criteria provided, single submitter. Criteria: Invitae Variant Classification Sherloc (09022015). Collection method: clinical testing. Allele origin: germline.
Comment: This sequence change replaces alanine, which is neutral and non-polar, with threonine, which is neutral and polar, at codon 89 of the KIT protein (p.Ala89Thr). This variant is not present in population databases (gnomAD no frequency). This variant has not been reported in the literature in individuals affected with KIT-related conditions. ClinVar contains an entry for this variant (Variation ID: 1444389). An algorithm developed to predict the effect of missense changes on protein structure and function (PolyPhen-2) suggests that this variant is likely to be tolerated. In summary, the available evidence is currently insufficient to determine the role of this variant in disease. Therefore, it has been classified as a Variant of Uncertain Significance.